The following is an entry in ClinVar:

ClinVar aggregate classification (germline): Uncertain significance (1 of 4 stars; one submission).

Conditions:
Cardiovascular phenotype. Identifiers: MedGen CN230736.

gnomAD v4.1: 1 of 1,614,136 alleles (0.000062%); highest among the groups gnomAD compares: Non-Finnish European, 0.000085%; no homozygotes.

Submission:

Ambry Genetics
Classification: Uncertain significance for Cardiovascular phenotype. Last evaluated: 2024-10-28. Review status: criteria provided, single submitter. Criteria: Ambry Variant Classification Scheme 2023. Collection method: clinical testing. Allele origin: germline.
Comment: The p.P55T variant (also known as c.163C>A), located in coding exon 3 of the DSG2 gene, results from a C to A substitution at nucleotide position 163. The proline at codon 55 is replaced by threonine, an amino acid with highly similar properties. This amino acid position is well conserved in available vertebrate species. In addition, this alteration is predicted to be tolerated by in silico analysis. Based on the available evidence, the clinical significance of this variant remains unclear.

NM_001943.5(DSG2):c.163C>A (p.Pro55Thr)

Gene: DSG2 (desmoglein 2; plus strand). Cytogenetic location: 18q12.1.
Variant type: single nucleotide variant.
Coding change: c.163C>A on transcript NM_001943.5 (MANE Select); coding-DNA position 163, C replaced by A.
Protein change: p.Pro55Thr; replaces proline 55 with threonine.
Molecular consequence: missense variant.
Genome position (GRCh38, 1-based): chr18:31,519,884, C>A. VCF-style: chr18-31519884-C-A. GRCh37 (hg19) VCF-style: chr18-29099847-C-A.
Other names: short protein forms P55T.
Identifiers: ClinVar variation 3505422 (VCV003505422.1).